The following is an entry in ClinVar:

NM_001039591.3(USP9X):c.1969C>T (p.Arg657Trp)

Gene: USP9X (ubiquitin specific peptidase 9 X-linked; plus strand). Cytogenetic location: Xp11.4.
Variant type: single nucleotide variant.
Coding change: c.1969C>T on transcript NM_001039591.3 (MANE Select); coding-DNA position 1969, C replaced by T.
Protein change: p.Arg657Trp; replaces arginine 657 with tryptophan.
Molecular consequence: missense variant.
Genome position (GRCh38, 1-based): chrX:41,162,861, C>T. VCF-style: chrX-41162861-C-T. GRCh37 (hg19) VCF-style: chrX-41022114-C-T.
Other names: c.1969C>T, p.Arg657Trp (NM_001039590.3); c.1984C>T, p.Arg662Trp (NM_001410748.1, NM_001410749.1, NM_001437534.1); short protein forms R657W, R662W.
Identifiers: ClinVar variation 4082663 (VCV004082663.1).

ClinVar aggregate classification (germline): Uncertain significance (1 of 4 stars; one submission).

Submission:

GeneDx
Classification: Uncertain significance. Last evaluated: 2025-03-02. Review status: criteria provided, single submitter. Criteria: GeneDx Variant Classification Process June 2021. Collection method: clinical testing. Allele origin: germline. Affected: yes.
Comment: Not observed at significant frequency in large population cohorts (gnomAD); In silico analysis supports that this missense variant has a deleterious effect on protein structure/function; Has not been previously published as pathogenic or benign in association with a USP9X-related disorder to our knowledge; This variant is associated with the following publications: (PMID: 33671201)